The following is an entry in ClinVar:

ClinVar aggregate classification (germline): Conflicting classifications of pathogenicity. Review status: criteria provided, conflicting classifications (1 of 4 stars). 4 submissions from 4 submitters: Uncertain significance (3); Likely benign (1). Last evaluated 2025-09-10.

Conditions:
DYNC1H1-related disorder. Also called: DYNC1H1-related condition; DYNC1H1-related disorders. Identifiers: MedGen CN381529.
Inborn genetic diseases. Identifiers: MedGen C0950123, MeSH D030342.
Charcot-Marie-Tooth disease axonal type 2O. Also called: CHARCOT-MARIE-TOOTH NEUROPATHY, AXONAL, TYPE 2O; CHARCOT-MARIE-TOOTH DISEASE, AXONAL, AUTOSOMAL DOMINANT, TYPE 2O; Charcot-Marie-Tooth Neuropathy Type 2O; Charcot-Marie-Tooth disease, axonal, type 20. Identifiers: Orphanet 284232, MedGen C3280220, MONDO:0013644, OMIM 614228.

Allele frequency attached by ClinVar (database versions not stated): gnomAD exomes below 0.00001 and 0.00005; ExAC 0.00001; gnomAD 0.00002; TOPMed 0.00003.
gnomAD v4.1: 72 of 1,614,064 alleles (0.0045%); highest among the groups gnomAD compares: Non-Finnish European, 0.0058%; no homozygotes.

Submissions (4):

PreventionGenetics, part of Exact Sciences
Classification: Uncertain significance for DYNC1H1-related condition. Last evaluated: 2025-09-10. Review status: criteria provided, single submitter. Criteria: ACMG Guidelines, 2015. Collection method: clinical testing. Allele origin: germline.
Comment: The DYNC1H1 c.8442G>C variant is predicted to result in the amino acid substitution p.Glu2814Asp. To our knowledge, this variant has not been reported in the literature. This variant is reported in 0.0015% of alleles in individuals of European (non-Finnish) descent in gnomAD. At this time, the clinical significance of this variant is uncertain due to the absence of conclusive functional and genetic evidence.

Labcorp Genetics (formerly Invitae), Labcorp
Classification: Likely benign for Charcot-Marie-Tooth disease axonal type 2O. Last evaluated: 2025-04-14. Review status: criteria provided, single submitter. Criteria: Invitae Variant Classification Sherloc (09022015). Collection method: clinical testing. Allele origin: germline.

Ambry Genetics
Classification: Uncertain significance for Inborn genetic diseases. Last evaluated: 2022-06-13. Review status: criteria provided, single submitter. Criteria: Ambry Variant Classification Scheme 2023. Collection method: clinical testing. Allele origin: germline.
Comment: The p.E2814D variant (also known as c.8442G>C), located in coding exon 42 of the DYNC1H1 gene, results from a G to C substitution at nucleotide position 8442. The glutamic acid at codon 2814 is replaced by aspartic acid, an amino acid with highly similar properties. Among a cohort of 448 patients with suspected inherited peripheral neuropathy, this alteration was detected in one patient with CMT2; however, limited information was provided (Antoniadi T et al. BMC Med Genet, 2015 Sep;16:84). This missense alteration is located in a region that has a low rate of benign missense variation (Lek M et al. Nature. 2016 Aug 18;536(7616):285-91; DECIPHER: Database of Chromosomal Imbalance and Phenotype in Humans using Ensembl Resources. Firth H.V. et al. 2009. Am.J.Hum.Genet. 84, 524-533 (DOI)). This amino acid position is highly conserved in available vertebrate species. In addition, this alteration is predicted to be tolerated by in silico analysis. Since supporting evidence is limited at this time, the clinical significance of this alteration remains unclear.

GeneDx
Classification: Uncertain significance. Last evaluated: 2017-05-30. Review status: criteria provided, single submitter. Criteria: GeneDx Variant Classification (06012015). Collection method: clinical testing. Allele origin: germline. Affected: yes.
Comment: The E2814D variant has not been published as a pathogenic variant, nor has it been reported as a benign variant to our knowledge. It was not observed in approximately 6,500 individuals of European and African American ancestry in the NHLBI Exome Sequencing Project, indicating it is not a common benign variant in these populations. This substitution occurs at a position that is conserved across species. However, the E2814D variant is a conservative amino acid substitution, which is not likely to impact secondary protein structure as these residues share similar properties. In silico analysis is inconsistent in its predictions as to whether or not the variant is damaging to the protein structure/function. Therefore, based on the currently available information, it is unclear whether this variant is a pathogenic variant or a rare benign variant.

Literature cited by the submitters: PubMed 26392352 (cited by Ambry Genetics).

NM_001376.5(DYNC1H1):c.8442G>C (p.Glu2814Asp)

Gene: DYNC1H1 (dynein cytoplasmic 1 heavy chain 1; plus strand). Cytogenetic location: 14q32.31.
Variant type: single nucleotide variant.
Coding change: c.8442G>C on transcript NM_001376.5 (MANE Select); coding-DNA position 8442, G replaced by C.
Protein change: p.Glu2814Asp; replaces glutamic acid 2814 with aspartic acid.
Molecular consequence: missense variant.
Genome position (GRCh38, 1-based): chr14:102,019,991, G>C. VCF-style: chr14-102019991-G-C. GRCh37 (hg19) VCF-style: chr14-102486328-G-C.
Other names: short protein forms E2814D.
Identifiers: ClinVar variation 246499 (VCV000246499.14), dbSNP rs762494017, ClinGen allele CA7353022.
Genomic context (GRCh38, chr14:102,019,991, plus strand): 5'-TTCACCCCGTGAAATGACTAGGTGGGTGAGAGGCATCTTTGAAGCGCTGAGACCTCTGGA[G>C]ACCCTGCCTGTTGAAGGCCTCATTCGGATTTGGGCACATGAAGCTCTGCGTCTCTTCCAA-3'
Protein context (NP_001367.2, residues 2804-2824): RGIFEALRPL[Glu2814Asp]TLPVEGLIRI